The following is an entry in ClinVar:

ClinVar aggregate classification (germline): Uncertain significance (1 of 4 stars; one submission).

Conditions:
X-linked myopathy with excessive autophagy (AVM). Also called: Vacuolar myopathy; Autophagic vacuolar myopathy. Identifiers: Orphanet 25980, MedGen C1839615, MONDO:0010684, OMIM 310440.

gnomAD v4.1: 1 of 1,211,028 alleles (0.000083%); no homozygotes.

Submission:

Labcorp Genetics (formerly Invitae), Labcorp
Classification: Uncertain significance for X-linked myopathy with excessive autophagy. Last evaluated: 2025-03-28. Review status: criteria provided, single submitter. Criteria: Invitae Variant Classification Sherloc (09022015). Collection method: clinical testing. Allele origin: germline.
Comment: This sequence change replaces valine, which is neutral and non-polar, with leucine, which is neutral and non-polar, at codon 79 of the VMA21 protein (p.Val79Leu). This variant is not present in population databases (gnomAD no frequency). This variant has not been reported in the literature in individuals affected with VMA21-related conditions. An algorithm developed to predict the effect of missense changes on protein structure and function (PolyPhen-2) suggests that this variant is likely to be disruptive. In summary, the available evidence is currently insufficient to determine the role of this variant in disease. Therefore, it has been classified as a Variant of Uncertain Significance.

NM_001017980.4(VMA21):c.235G>C (p.Val79Leu)

Gene: VMA21 (vacuolar ATPase assembly factor VMA21; plus strand). Cytogenetic location: Xq28.
Variant type: single nucleotide variant.
Coding change: c.235G>C on transcript NM_001017980.4 (MANE Select); coding-DNA position 235, G replaced by C.
Protein change: p.Val79Leu; replaces valine 79 with leucine.
Molecular consequence: missense variant.
Genome position (GRCh38, 1-based): chrX:151,404,987, G>C. VCF-style: chrX-151404987-G-C. GRCh37 (hg19) VCF-style: chrX-150573459-G-C.
Other names: c.400G>C, p.Val134Leu (NM_001363810.1); short protein forms V79L, V134L.
Identifiers: ClinVar variation 4703162 (VCV004703162.1).